The following is an entry in ClinVar:

ClinVar aggregate classification (germline): Uncertain significance (1 of 4 stars; one submission).

Conditions:
DMXL2-related disorder. Also called: DMXL2-related condition.

Submission:

PreventionGenetics, part of Exact Sciences
Classification: Uncertain significance for DMXL2-related condition. Last evaluated: 2026-06-15. Review status: criteria provided, single submitter. Criteria: ACMG Guidelines, 2015. Collection method: clinical testing. Allele origin: germline.
Comment: The DMXL2 c.7354C>A variant is predicted to result in the amino acid substitution p.Pro2452Thr. To our knowledge, this variant has not been reported in the literature. This variant is reported in 0.012% of alleles in individuals of African descent in gnomAD, representing three out of ~282,000 total alleles. At this time, the clinical significance of this variant is uncertain due to the absence of conclusive functional and genetic evidence.

NM_001378457.1(DMXL2):c.7354C>A (p.Pro2452Thr)

Gene: DMXL2 (Dmx like 2; minus strand). Cytogenetic location: 15q21.2.
Variant type: single nucleotide variant.
Coding change: c.7354C>A on transcript NM_001378457.1 (MANE Select); coding-DNA position 7354, C replaced by A.
Protein change: p.Pro2452Thr; replaces proline 2452 with threonine.
Molecular consequence: missense variant. On other transcripts: non-coding transcript variant (2).
Genome position (GRCh38, 1-based): chr15:51,471,261, G>T on the plus strand (C>A on the coding strand, the complement: DMXL2 is on the minus strand). VCF-style: chr15-51471261-G-T. GRCh37 (hg19) VCF-style: chr15-51763458-G-T.
Other names: c.7354C>A, p.Pro2452Thr (NM_001174116.3, NM_001378459.1, NM_001378461.1 and 1 more transcripts); c.5443C>A, p.Pro1815Thr (NM_001174117.3); c.7351C>A, p.Pro2451Thr (NM_001378458.1, NM_001378462.1, NM_015263.5); c.5332C>A, p.Pro1778Thr (NM_001378460.1); c.7111C>A, p.Pro2371Thr (NM_001378464.1); short protein forms P2371T, P2451T, P2452T, P1815T, P1778T.
Identifiers: ClinVar variation 5001236 (VCV005001236.1).
Genomic context (GRCh38, chr15:51,471,261, plus strand): 5'-TTGCATTCCTCACACTCCTTACCTTTGCAACAAAATAATCCCACATACTAAGTTCGGGAG[G>T]AATAAATTTTTCTTTGTAAGATGGTCTTTCTGCAGGCACCGGTGGTGGGGTAGCATCTTT-3'
Protein context (NP_001365386.1, residues 2442-2462): ERPSYKEKFI[Pro2452Thr]PELSMWDYFV